The following is an entry in ClinVar:

NM_001205293.3(CACNA1E):c.2426_2443del (p.806NPL[1])

Gene: CACNA1E (calcium voltage-gated channel subunit alpha1 E; plus strand). Cytogenetic location: 1q25.3.
Variant type: Deletion.
Coding change: c.2426_2443del on transcript NM_001205293.3 (MANE Select); coding-DNA positions 2426 to 2443, 18 bases deleted (ACCCCCTCAACCCGCTCA).
Protein change: p.806NPL[1].
Molecular consequence: inframe deletion.
Genome position (GRCh38, 1-based): chr1:181,732,512-181,732,529, ACCCCCTCAACCCGCTCA deleted; deleting any 18 consecutive bases within chr1:181,732,502-181,732,529 gives the same sequence; the c. name uses the placement nearest the transcript's 3' end. VCF-style (leftmost placement, unchanged base first): chr1-181732501-GAACCCGCTCAACCCCCTC-G. GRCh37 (hg19) VCF-style: chr1-181701637-GAACCCGCTCAACCCCCTC-G.
Other names: c.2426_2443del, p.806NPL[1] (NM_000721.4); c.2369_2386del, p.787NPL[1] (NM_001205294.2).
Identifiers: ClinVar variation 1927081 (VCV001927081.5), dbSNP rs1411891955, ClinGen allele CA527599264.
Genomic context (GRCh38, chr1:181,732,501, plus strand): 5'-GAGGAAGCACATGCAGATGTCCAGCCAGGAGGCCCTCAACAGAGAGGAGGCGCCGACCAT[GAACCCGCTCAACCCCCTC>G]AACCCGCTCAGCTCCCTCAACCCGCTCAATGCCCACCCCAGCCTTTATCGGCGACCCAGG-3'

ClinVar aggregate classification (germline): Uncertain significance (1 of 4 stars; one submission).

Submission:

Labcorp Genetics (formerly Invitae), Labcorp
Classification: Uncertain significance. Last evaluated: 2025-12-15. Review status: criteria provided, single submitter. Criteria: Invitae Variant Classification Sherloc (09022015). Collection method: clinical testing. Allele origin: germline.
Comment: This variant, c.2426_2443del, results in the deletion of 6 amino acid(s) of the CACNA1E protein (p.Asn809_Leu814del), but otherwise preserves the integrity of the reading frame. This variant is present in population databases (no rsID available, gnomAD 0.01%). This variant has not been reported in the literature in individuals affected with CACNA1E-related conditions. ClinVar contains an entry for this variant (Variation ID: 1927081). Experimental studies and prediction algorithms are not available or were not evaluated, and the functional significance of this variant is currently unknown. In summary, the available evidence is currently insufficient to determine the role of this variant in disease. Therefore, it has been classified as a Variant of Uncertain Significance.